The following is an entry in ClinVar:

NM_001367721.1(CASK):c.1438A>T (p.Met480Leu)

Gene: CASK (calcium/calmodulin dependent serine protein kinase; minus strand). Cytogenetic location: Xp11.4.
Variant type: single nucleotide variant.
Coding change: c.1438A>T on transcript NM_001367721.1 (MANE Select); coding-DNA position 1438, A replaced by T.
Protein change: p.Met480Leu; replaces methionine 480 with leucine.
Molecular consequence: missense variant.
Genome position (GRCh38, 1-based): chrX:41,578,405, T>A on the plus strand (A>T on the coding strand, the complement: CASK is on the minus strand). VCF-style: chrX-41578405-T-A. GRCh37 (hg19) VCF-style: chrX-41437658-T-A.
Other names: c.1438A>T, p.Met480Leu (NM_001126054.3, NM_003688.4); c.1420A>T, p.Met474Leu (NM_001126055.3, NM_001410745.1); short protein forms M480L, M474L.
Identifiers: ClinVar variation 1442758 (VCV001442758.8), dbSNP rs2065514700, ClinGen allele CA412997509.

ClinVar aggregate classification (germline): Uncertain significance (1 of 4 stars; one submission).

Conditions:
Intellectual disability, CASK-related, X-linked. Identifiers: MedGen CN043158.

gnomAD v4.1: 1 of 1,207,552 alleles (0.000083%); highest among the groups gnomAD compares: Non-Finnish European, 0.00011%; no homozygotes.

Submission:

Labcorp Genetics (formerly Invitae), Labcorp
Classification: Uncertain significance for Intellectual disability, CASK-related, X-linked. Last evaluated: 2022-07-26. Review status: criteria provided, single submitter. Criteria: Invitae Variant Classification Sherloc (09022015). Collection method: clinical testing. Allele origin: germline.
Comment: In summary, the available evidence is currently insufficient to determine the role of this variant in disease. Therefore, it has been classified as a Variant of Uncertain Significance. Algorithms developed to predict the effect of missense changes on protein structure and function are either unavailable or do not agree on the potential impact of this missense change (SIFT: "Deleterious"; PolyPhen-2: "Benign"; Align-GVGD: "Class C0"). ClinVar contains an entry for this variant (Variation ID: 1442758). This variant has not been reported in the literature in individuals affected with CASK-related conditions. This variant is not present in population databases (gnomAD no frequency). This sequence change replaces methionine, which is neutral and non-polar, with leucine, which is neutral and non-polar, at codon 480 of the CASK protein (p.Met480Leu).